The following is an entry in ClinVar:

NM_001042492.3(NF1):c.1453G>T (p.Glu485Ter)

Gene: NF1 (neurofibromin 1; plus strand). Cytogenetic location: 17q11.2.
Variant type: single nucleotide variant.
Coding change: c.1453G>T on transcript NM_001042492.3 (MANE Select); coding-DNA position 1453, G replaced by T.
Protein change: p.Glu485Ter; replaces glutamic acid 485 with a stop codon.
Molecular consequence: nonsense.
Genome position (GRCh38, 1-based): chr17:31,214,511, G>T. VCF-style: chr17-31214511-G-T. GRCh37 (hg19) VCF-style: chr17-29541529-G-T.
Other names: c.1453G>T, p.Glu485Ter (NM_000267.4, NM_001128147.3); short protein forms E485*.
Identifiers: ClinVar variation 429817 (VCV000429817.9), dbSNP rs1131691610, ClinGen allele CA399001544.

ClinVar aggregate classification (germline): Pathogenic. Review status: criteria provided, multiple submitters, no conflicts (2 of 4 stars). 3 submissions from 3 submitters: Pathogenic (3). Last evaluated 2022-03-15.

Conditions:
Neurofibromatosis, type 1 (NF1). Also called: Neurofibromatosis, type I; NEUROFIBROMATOSIS, TYPE I, SOMATIC; Peripheral type neurofibromatosis; VON RECKLINGHAUSEN DISEASE. Identifiers: Orphanet 636, MedGen C0027831, MONDO:0018975, OMIM 162200. Disease mechanism: loss of function.

Submissions (3):

Genome-Nilou Lab
Classification: Pathogenic for Neurofibromatosis, type 1. Last evaluated: 2022-03-15. Review status: criteria provided, single submitter. Criteria: ACMG Guidelines, 2015. Collection method: clinical testing. Allele origin: germline. Affected: no.

Labcorp Genetics (formerly Invitae), Labcorp
Classification: Pathogenic for Neurofibromatosis, type 1. Last evaluated: 2019-10-03. Review status: criteria provided, single submitter. Criteria: Invitae Variant Classification Sherloc (09022015). Collection method: clinical testing. Allele origin: germline.
Comment: For these reasons, this variant has been classified as Pathogenic. Loss-of-function variants in NF1 are known to be pathogenic (PMID: 10712197, 23913538). This variant has been observed in an individual with clinical features of neurofibromatosis type 1 (PMID: 26740943). ClinVar contains an entry for this variant (Variation ID: 429817). This sequence change creates a premature translational stop signal (p.Glu485*) in the NF1 gene. It is expected to result in an absent or disrupted protein product. This variant is not present in population databases (ExAC no frequency).

GeneDx
Classification: Pathogenic. Last evaluated: 2015-09-18. Review status: criteria provided, single submitter. Criteria: GeneDx Variant Classification (06012015). Collection method: clinical testing. Allele origin: germline. Affected: yes.
Comment: The E485X variant in the NF1 gene has not been reported previously as a pathogenic variant nor as a benign polymorphism, to our knowledge. This variant is predicted to cause loss of normal protein function either through protein truncation or nonsense-mediated mRNA decay. The E485X variant was not observed in approximately 6500 individuals of European and African American ancestry in the NHLBI Exome Sequencing Project, indicating it is not a common benign variant in these populations. Protein truncating variants downstream of E485X have been reported in the Human Gene Mutation Database in association with neurofibromatosis type 1 (Stenson et al., 2014), supporting the pathogenicity of more upstream truncating variants. We interpret E485X as a pathogenic variant.

Literature cited by the submitters: PubMed 10712197 (cited by Labcorp Genetics (formerly Invitae), Labcorp); PubMed 23913538 (cited by Labcorp Genetics (formerly Invitae), Labcorp); PubMed 26740943 (cited by Labcorp Genetics (formerly Invitae), Labcorp).